The following is an entry in ClinVar:

ClinVar aggregate classification (germline): Uncertain significance (1 of 4 stars; one submission).

Conditions:
Combined deficiency of sialidase AND beta galactosidase (GSL). Also called: GOLDBERG SYNDROME; NEURAMINIDASE DEFICIENCY WITH BETA-GALACTOSIDASE DEFICIENCY; NEURAMINIDASE/BETA-GALACTOSIDASE EXPRESSION; PPCA DEFICIENCY; PROTECTIVE PROTEIN/CATHEPSIN A DEFICIENCY; CATHEPSIN A DEFICIENCY. Identifiers: Orphanet 351, MedGen C0268233, MONDO:0009737, OMIM 256540.

Submission:

Labcorp Genetics (formerly Invitae), Labcorp
Classification: Uncertain significance for Combined deficiency of sialidase AND beta galactosidase. Last evaluated: 2022-11-01. Review status: criteria provided, single submitter. Criteria: Invitae Variant Classification Sherloc (09022015). Collection method: clinical testing. Allele origin: germline.
Comment: In summary, the available evidence is currently insufficient to determine the role of this variant in disease. Therefore, it has been classified as a Variant of Uncertain Significance. Algorithms developed to predict the effect of sequence changes on RNA splicing suggest that this variant may create or strengthen a splice site. This variant has not been reported in the literature in individuals affected with CTSA-related conditions. This variant is not present in population databases (gnomAD no frequency). This sequence change falls in intron 13 of the CTSA gene. It does not directly change the encoded amino acid sequence of the CTSA protein.

NM_000308.4(CTSA):c.1255-7G>A

Gene: CTSA (cathepsin A; plus strand). Cytogenetic location: 20q13.12.
Variant type: single nucleotide variant.
Coding change: c.1255-7G>A on transcript NM_000308.4 (MANE Select); 7 bases into the intron before coding-DNA position 1255, G replaced by A.
Molecular consequence: intron variant.
Genome position (GRCh38, 1-based): chr20:45,897,998, G>A. VCF-style: chr20-45897998-G-A. GRCh37 (hg19) VCF-style: chr20-44526637-G-A.
Other names: c.1255-7G>A (NM_001127695.3); c.1204-7G>A (NM_001167594.3).
Identifiers: ClinVar variation 2146168 (VCV002146168.4), dbSNP rs1221845934, ClinGen allele CA744836612.